The following is an entry in ClinVar:

ClinVar aggregate classification (germline): Likely pathogenic (1 of 4 stars; one submission).

Conditions:
Atypical hemolytic-uremic syndrome with MCP/CD46 anomaly. Also called: HEMOLYTIC UREMIC SYNDROME, ATYPICAL, SUSCEPTIBILITY TO, 2; AHUS, SUSCEPTIBILITY TO, 2. Identifiers: Orphanet 2134, MedGen C2752040, MONDO:0013040, OMIM 612922.

Submission:

Juno Genomics, Hangzhou Juno Genomics, Inc
Classification: Likely pathogenic for Atypical hemolytic-uremic syndrome with MCP/CD46 anomaly. Review status: criteria provided, single submitter. Criteria: ACMG Guidelines, 2015. Collection method: clinical testing. Allele origin: germline.
Comment: Absent from controls (or at extremely low frequency if recessive) in Genome Aggregation Database.;Null variant in a gene where loss of function (LOF) is a known mechanism of disease.

NM_172351.3(CD46):c.866_873del (p.Ser289fs)

Gene: CD46 (CD46 molecule; plus strand). Cytogenetic location: 1q32.2.
Variant type: Deletion.
Coding change: c.866_873del on transcript NM_172351.3 (MANE Select); coding-DNA positions 866 to 873, 8 bases deleted (CTTCCACT; older notation c.866_873delCTTCCACT).
Protein change: p.Ser289fs; shifts the reading frame from serine 289.
Molecular consequence: frameshift variant. On other transcripts: intron variant (5).
Genome position (GRCh38, 1-based): chr1:207,767,788-207,767,795, CTTCCACT deleted; deleting any 8 consecutive bases within chr1:207,767,787-207,767,795 gives the same sequence; the c. name uses the placement nearest the transcript's 3' end. VCF-style (leftmost placement, unchanged base first): chr1-207767786-TTCTTCCAC-T. GRCh37 (hg19) VCF-style: chr1-207941131-TTCTTCCAC-T.
Other names: c.856+593_856+600del (NM_172361.3, NM_172352.3, NM_172353.3 and 2 more transcripts); c.866_873del, p.Ser289fs (NM_172355.3, NM_172356.3, NM_172358.3 and 1 more transcripts); c.911_918del, p.Ser304fs (NM_172359.3, NM_002389.4); c.865_872del (NM_172351.3); short protein forms S304fs, S289fs.
Identifiers: ClinVar variation 5005623 (VCV005005623.2).